The following is an entry in ClinVar:

NM_005751.5(AKAP9):c.306+63T>G

Gene: AKAP9 (A-kinase anchoring protein 9; plus strand). Cytogenetic location: 7q21.2.
Variant type: single nucleotide variant.
Coding change: c.306+63T>G on transcript NM_005751.5 (MANE Select); 63 bases into the intron after coding-DNA position 306, T replaced by G.
Molecular consequence: intron variant.
Genome position (GRCh38, 1-based): chr7:91,974,031, T>G. VCF-style: chr7-91974031-T-G. GRCh37 (hg19) VCF-style: chr7-91603345-T-G.
Other names: c.306+63T>G (NM_147185.3).
Identifiers: ClinVar variation 675390 (VCV000675390.2), dbSNP rs115407770, ClinGen allele CA161891220.

ClinVar aggregate classification (germline): Likely benign. Review status: criteria provided, multiple submitters, no conflicts (2 of 4 stars). 2 submissions from 2 submitters: Likely benign (2). Last evaluated 2018-06-16.

Allele frequency attached by ClinVar (database versions not stated): gnomAD exomes 0.00090; gnomAD 0.01061 and 0.01150; 1000 Genomes Project 0.01098; TOPMed 0.01116; 1000 Genomes Project 30x 0.01156.
gnomAD v4.1: 2,966 of 1,586,862 alleles (0.19%); highest among the groups gnomAD compares: African/African-American, 3.6%; 45 homozygotes.

Submissions (2):

GeneDx
Classification: Likely benign. Last evaluated: 2018-06-16. Review status: criteria provided, single submitter. Criteria: GeneDx Variant Classification (06012015). Collection method: clinical testing. Allele origin: germline. Affected: yes.
Comment: This variant is considered likely benign or benign based on one or more of the following criteria: it is a conservative change, it occurs at a poorly conserved position in the protein, it is predicted to be benign by multiple in silico algorithms, and/or has population frequency not consistent with disease.

Breakthrough Genomics
Classification: Likely benign. Review status: criteria provided, single submitter. Criteria: ACMG Guidelines, 2015. Collection method: not provided. Allele origin: germline. Inheritance: Autosomal dominant inheritance. Affected: yes.